The following is an entry in ClinVar:

NM_016203.4(PRKAG2):c.1423A>G (p.Lys475Glu)

Gene: PRKAG2 (protein kinase AMP-activated non-catalytic subunit gamma 2; minus strand). Cytogenetic location: 7q36.1.
Variant type: single nucleotide variant.
Coding change: c.1423A>G on transcript NM_016203.4 (MANE Select); coding-DNA position 1423, A replaced by G.
Protein change: p.Lys475Glu; replaces lysine 475 with glutamic acid.
Molecular consequence: missense variant.
Genome position (GRCh38, 1-based): chr7:151,565,360, T>C on the plus strand (A>G on the coding strand, the complement: PRKAG2 is on the minus strand). VCF-style: chr7-151565360-T-C. GRCh37 (hg19) VCF-style: chr7-151262446-T-C.
Other names: c.1291A>G, p.Lys431Glu (NM_001040633.2, NM_001407024.1); c.1048A>G, p.Lys350Glu (NM_001304527.2, NM_001407029.1); c.700A>G, p.Lys234Glu (NM_001304531.2, NM_001407034.1, NM_001407035.1 and 1 more transcripts); c.1051A>G, p.Lys351Glu (NM_001363698.2, NM_001407028.1); c.1423A>G, p.Lys475Glu (NM_001407021.1); c.1420A>G, p.Lys474Glu (NM_001407022.1, NM_001407023.1); c.1288A>G, p.Lys430Glu (NM_001407026.1, NM_001407027.1); c.1135A>G, p.Lys379Glu (NM_001407030.1); and 6 more; short protein forms K233E, K367E, K378E, K379E, K430E, K474E, K351E, K369E.
Identifiers: ClinVar variation 1772303 (VCV001772303.2), dbSNP rs2536290003, ClinGen allele CA370070794.

ClinVar aggregate classification (germline): Uncertain significance (1 of 4 stars; one submission).

Conditions:
Cardiovascular phenotype. Identifiers: MedGen CN230736.

Submission:

Ambry Genetics
Classification: Uncertain significance for Cardiovascular phenotype. Last evaluated: 2020-12-30. Review status: criteria provided, single submitter. Criteria: Ambry Variant Classification Scheme 2023. Collection method: clinical testing. Allele origin: germline.
Comment: The p.K475E variant (also known as c.1423A>G), located in coding exon 13 of the PRKAG2 gene, results from an A to G substitution at nucleotide position 1423. The lysine at codon 475 is replaced by glutamic acid, an amino acid with similar properties. This variant was reported as occurring de novo in a fetus with prenatal ultrasound findings consistent with hypertrophic cardiomyopathy (HCM). Based on the literature, this individual may have had signs of HCM on echocardiogram in the newborn period that later resolved with medical treatment (Xu Y et al. Am J Physiol Heart Circ Physiol, 2017 Aug;313:H283-H292; Torok RD et al. J Inherit Metab Dis, 2017 11;40:823-830). An in vitro assay indicated that overexpression of this variant resulted in hypertrophy in rat cardiomyocytes (Xu Y et al. Am J Physiol Heart Circ Physiol, 2017 Aug;313:H283-H292). This amino acid position is highly conserved in available vertebrate species. In addition, this alteration is predicted to be deleterious by in silico analysis. Since supporting evidence is limited at this time, the clinical significance of this alteration remains unclear.

Literature cited by the submitters: PubMed 28550180; PubMed 28801758; PubMed 30430036.